The following is an entry in ClinVar:

ClinVar aggregate classification (germline): Conflicting classifications of pathogenicity. Review status: criteria provided, conflicting classifications (1 of 4 stars). 3 submissions from 3 submitters: Uncertain significance (2); Likely benign (1). Last evaluated 2025-08-07.

Conditions:
Hereditary cancer-predisposing syndrome. Also called: Tumor predisposition; Hereditary Cancer Syndrome; Neoplastic Syndromes, Hereditary; Hereditary neoplastic syndrome. Identifiers: Orphanet 140162, MedGen C0027672, MeSH D009386, MONDO:0015356.
Gorlin syndrome. Also called: Nevoid Basal Cell Carcinoma Syndrome; Basal cell nevus syndrome. Identifiers: Orphanet 377, MedGen C0004779, MONDO:0007187.
Holoprosencephaly 7 (HPE7). Identifiers: Orphanet 2162, MedGen C1835820, MONDO:0012562, OMIM 610828.
Basal cell carcinoma, susceptibility to, 1. Also called: BCC1. Identifiers: MedGen C2751544, MONDO:0011556, OMIM 605462.

Allele frequency attached by ClinVar (database versions not stated): gnomAD exomes below 0.00001; TOPMed below 0.00001.
gnomAD v4.1: 1 of 1,613,812 alleles (0.000062%); highest among the groups gnomAD compares: Non-Finnish European, 0.000085%; no homozygotes.

Submissions (3):

Labcorp Genetics (formerly Invitae), Labcorp
Classification: Likely benign for Gorlin syndrome. Last evaluated: 2025-08-07. Review status: criteria provided, single submitter. Criteria: Invitae Variant Classification Sherloc (09022015). Collection method: clinical testing. Allele origin: germline.

Ambry Genetics
Classification: Uncertain significance for Hereditary cancer-predisposing syndrome. Last evaluated: 2023-04-24. Review status: criteria provided, single submitter. Criteria: Ambry Variant Classification Scheme 2023. Collection method: clinical testing. Allele origin: germline.
Comment: The p.L223I variant (also known as c.667C>A), located in coding exon 5 of the PTCH1 gene, results from a C to A substitution at nucleotide position 667. The leucine at codon 223 is replaced by isoleucine, an amino acid with highly similar properties. This amino acid position is conserved. In addition, the in silico prediction for this alteration is inconclusive. Since supporting evidence is limited at this time, the clinical significance of this alteration remains unclear.

Fulgent Genetics
Classification: Uncertain significance for Basal cell nevus syndrome 1; Basal cell carcinoma, susceptibility to, 1; Holoprosencephaly 7. Last evaluated: 2022-05-05. Review status: criteria provided, single submitter. Criteria: ACMG Guidelines, 2015. Collection method: clinical testing. Allele origin: unknown.

NM_000264.5(PTCH1):c.667C>A (p.Leu223Ile)

Gene: PTCH1 (patched 1; minus strand). Cytogenetic location: 9q22.32.
Variant type: single nucleotide variant.
Coding change: c.667C>A on transcript NM_000264.5 (MANE Select); coding-DNA position 667, C replaced by A.
Protein change: p.Leu223Ile; replaces leucine 223 with isoleucine.
Molecular consequence: missense variant. On other transcripts: non-coding transcript variant (1).
Genome position (GRCh38, 1-based): chr9:95,482,028, G>T on the plus strand (C>A on the coding strand, the complement: PTCH1 is on the minus strand). VCF-style: chr9-95482028-G-T. GRCh37 (hg19) VCF-style: chr9-98244310-G-T.
Other names: c.469C>A, p.Leu157Ile (NM_001083602.3, NM_001354919.2); c.664C>A, p.Leu222Ile (NM_001083603.3); c.214C>A, p.Leu72Ile (NM_001083604.3, NM_001083605.3, NM_001083606.3 and 1 more transcripts); c.667C>A, p.Leu223Ile (NM_001354918.2); c.667C>A (NM_000264.3); short protein forms L157I, L222I, L223I, L72I.
Identifiers: ClinVar variation 1017034 (VCV001017034.16), dbSNP rs1266754583, ClinGen allele CA374114966.